The following is an entry in ClinVar:

ClinVar aggregate classification (germline): Likely benign. Review status: criteria provided, multiple submitters, no conflicts (2 of 4 stars). 4 submissions from 4 submitters: Likely benign (4). Last evaluated 2026-01-28.

Conditions:
Hereditary cancer-predisposing syndrome. Also called: Hereditary Cancer Syndrome; Neoplastic Syndromes, Hereditary; Hereditary neoplastic syndrome; Tumor predisposition. Identifiers: Orphanet 140162, MedGen C0027672, MeSH D009386, MONDO:0015356.
Neuroblastoma, susceptibility to, 3. Also called: ALK-Related Neuroblastic Tumor Susceptibility. Identifiers: Orphanet 635, MedGen C2751681, MONDO:0013083, OMIM 613014.

Allele frequency attached by ClinVar (database versions not stated): ExAC below 0.00001; TOPMed below 0.00001; gnomAD 0.00001; gnomAD exomes 0.00001.
gnomAD v4.1: 10 of 1,555,796 alleles (0.00064%); highest among the groups gnomAD compares: Non-Finnish European, 0.00078%; no homozygotes.

Submissions (4):

Labcorp Genetics (formerly Invitae), Labcorp
Classification: Likely benign for Neuroblastoma, susceptibility to, 3. Last evaluated: 2026-01-28. Review status: criteria provided, single submitter. Criteria: Invitae Variant Classification Sherloc (09022015). Collection method: clinical testing. Allele origin: germline.

CeGaT Center for Human Genetics Tuebingen
Classification: Likely benign. Last evaluated: 2025-07-01. Review status: criteria provided, single submitter. Criteria: CeGaT Center For Human Genetics Tuebingen Variant Classification Criteria Version 2. Collection method: clinical testing. Allele origin: germline. Affected: yes. Observed: 1 variant allele.
Comment: ALK: BP4, BP7

Ambry Genetics
Classification: Likely benign for Hereditary cancer-predisposing syndrome. Last evaluated: 2022-07-11. Review status: criteria provided, single submitter. Criteria: Ambry Variant Classification Scheme 2023. Collection method: clinical testing. Allele origin: germline.

Sema4
Classification: Likely benign for Hereditary cancer-predisposing syndrome. Last evaluated: 2022-03-18. Review status: criteria provided, single submitter. Criteria: Sema4 Curation Guidelines. Collection method: curation. Allele origin: germline.

NM_004304.5(ALK):c.297C>T (p.Leu99=)

Gene: ALK (ALK receptor tyrosine kinase; minus strand). Cytogenetic location: 2p23.1.
Variant type: single nucleotide variant.
Coding change: c.297C>T on transcript NM_004304.5 (MANE Select); coding-DNA position 297, C replaced by T.
Protein change: p.Leu99=; no amino-acid change (leucine 99 retained).
Molecular consequence: synonymous variant.
Genome position (GRCh38, 1-based): chr2:29,920,363, G>A on the plus strand (C>T on the coding strand, the complement: ALK is on the minus strand). VCF-style: chr2-29920363-G-A. GRCh37 (hg19) VCF-style: chr2-30143229-G-A.
Identifiers: ClinVar variation 722889 (VCV000722889.22), dbSNP rs545367563, ClinGen allele CA1595009.
Genomic context (GRCh38, chr2:29,920,363, plus strand): 5'-CTCTGCCGGGGCTGGTGAACCGGCGGTCCAGGAGACCCCCGGCGCCGGCCCCAGCAACCT[G>A]AGCAGCGGGGCGCAGTCCAGAGCTAGCGAGCCGCGGGCCTCGGGCCTGCCAGCCTTCAGC-3'
Protein context (NP_004295.2, residues 89-109): GSLALDCAPL[Leu99=]RLLGPAPGVS